The following is an entry in ClinVar:

NM_080680.3(COL11A2):c.1636C>T (p.Arg546Ter)

Gene: COL11A2 (collagen type XI alpha 2 chain; minus strand). Cytogenetic location: 6p21.32.
Variant type: single nucleotide variant.
Coding change: c.1636C>T on transcript NM_080680.3 (MANE Select); coding-DNA position 1636, C replaced by T.
Protein change: p.Arg546Ter; replaces arginine 546 with a stop codon.
Molecular consequence: nonsense.
Genome position (GRCh38, 1-based): chr6:33,178,949, G>A on the plus strand (C>T on the coding strand, the complement: COL11A2 is on the minus strand). VCF-style: chr6-33178949-G-A. GRCh37 (hg19) VCF-style: chr6-33146726-G-A.
Other names: c.1315C>T, p.Arg439Ter (NM_080679.3); c.1378C>T, p.Arg460Ter (NM_080681.3); c.1636C>T (NM_080680.2); short protein forms R439*, R460*, R546*.
Identifiers: ClinVar variation 1459216 (VCV001459216.11), dbSNP rs149697159, ClinGen allele CA363659489.

ClinVar aggregate classification (germline): Pathogenic. Review status: criteria provided, multiple submitters, no conflicts (2 of 4 stars). 3 submissions from 3 submitters: Pathogenic (2). 1 of the submissions does not count toward it. Last evaluated 2024-03-19.

Conditions:
COL11A2-related disorder. Also called: COL11A2-related condition; COL11A2-related disorders.

gnomAD v4.1: 5 of 1,614,034 alleles (0.00031%); highest among the groups gnomAD compares: Non-Finnish European, 0.00034%; no homozygotes.

Submissions (3):

Labcorp Genetics (formerly Invitae), Labcorp
Classification: Pathogenic. Last evaluated: 2024-03-19. Review status: criteria provided, single submitter. Criteria: Invitae Variant Classification Sherloc (09022015). Collection method: clinical testing. Allele origin: germline.
Comment: This sequence change creates a premature translational stop signal (p.Arg546*) in the COL11A2 gene. It is expected to result in an absent or disrupted protein product. Loss-of-function variants in COL11A2 are known to be pathogenic (PMID: 10677296, 21204229). This variant is not present in population databases (gnomAD no frequency). This premature translational stop signal has been observed in individual(s) with autosomal recessive otospondylomegaepiphyseal dysplasia (PMID: 10677296). This variant is also known as p.R60X. ClinVar contains an entry for this variant (Variation ID: 1459216). For these reasons, this variant has been classified as Pathogenic.

Women's Health and Genetics/Laboratory Corporation of America, LabCorp
Classification: Pathogenic for COL11A2-Related Disorders. Last evaluated: 2024-02-16. Review status: criteria provided, single submitter. Criteria: LabCorp Variant Classification Summary - May 2015. Collection method: clinical testing. Allele origin: germline.
Comment: Variant summary: COL11A2 c.1636C>T (p.Arg546X) results in a premature termination codon, predicted to cause a truncation of the encoded protein or absence of the protein due to nonsense mediated decay, which are commonly known mechanisms for disease. The variant was absent in 249930 control chromosomes (gnomAD). c.1636C>T has been reported in the literature in at least one compound heterozygous individual affected with autosomal recessive Otospondylomegaepiphyseal dysplasia (e.g., Melkoniemi_2000). To our knowledge, no experimental evidence demonstrating an impact on protein function has been reported. The following publication was ascertained in the context of this evaluation (PMID: 10677296). ClinVar contains an entry for this variant (Variation ID: 1459216). Based on the evidence outlined above, the variant was classified as pathogenic.

PreventionGenetics, part of Exact Sciences
Classification: Pathogenic for COL11A2-related condition. Last evaluated: 2024-05-25. Review status: no assertion criteria provided. Collection method: clinical testing. Allele origin: germline. Not counted in ClinVar's aggregate classification.
Comment: The COL11A2 c.1636C>T variant is predicted to result in premature protein termination (p.Arg546*). This variant along with a second variant in this gene was reported in an individual with autosomal recessive otospondylomegaepiphyseal dysplasia (Melkoniemi et al. 2000. PubMed ID: 10677296). This variant has not been reported in a large population database, indicating this variant is rare. Nonsense variants in COL11A2 are expected to be pathogenic. This variant is interpreted as pathogenic.

Literature cited by the submitters: PubMed 10677296 (cited by Labcorp Genetics (formerly Invitae), Labcorp and Women's Health and Genetics/Laboratory Corporation of America, LabCorp); PubMed 21204229 (cited by Labcorp Genetics (formerly Invitae), Labcorp).